The following is an entry in ClinVar:

ClinVar aggregate classification (germline): Uncertain significance. Review status: criteria provided, multiple submitters, no conflicts (2 of 4 stars). 2 submissions from 2 submitters: Uncertain significance (2). Last evaluated 2026-07-21.

Conditions:
Multiple endocrine neoplasia, type 2 (MEN2). Identifiers: Orphanet 653, MedGen C4048306, MONDO:0019003. Disease mechanism: gain of function.
Hereditary cancer-predisposing syndrome. Also called: Tumor predisposition; Hereditary Cancer Syndrome; Neoplastic Syndromes, Hereditary; Hereditary neoplastic syndrome. Identifiers: Orphanet 140162, MedGen C0027672, MeSH D009386, MONDO:0015356.

gnomAD v4.1: 2 of 1,613,392 alleles (0.00012%); highest among the groups gnomAD compares: Non-Finnish European, 0.000085%; no homozygotes.

Submissions (2):

Ambry Genetics
Classification: Uncertain significance for Hereditary cancer-predisposing syndrome. Last evaluated: 2026-07-21. Review status: criteria provided, single submitter. Criteria: Ambry Variant Classification Scheme 2023. Collection method: clinical testing. Allele origin: germline.
Comment: The p.M848R variant (also known as c.2543T>G), located in coding exon 14 of the RET gene, results from a T to G substitution at nucleotide position 2543. The methionine at codon 848 is replaced by arginine, an amino acid with similar properties. This amino acid position is well conserved in available vertebrate species. In addition, this alteration is predicted to be deleterious by in silico analysis. Based on the available evidence, the clinical significance of this variant remains unclear.

All of Us Research Program, National Institutes of Health
Classification: Uncertain significance for Multiple endocrine neoplasia, type 2. Last evaluated: 2023-11-30. Review status: criteria provided, single submitter. Criteria: ACMG Guidelines, 2015. Collection method: clinical testing. Allele origin: germline. Inheritance: Autosomal dominant inheritance. Observed: 1 variant allele, 1 heterozygote.
Comment: This study involves interpretation of variants in research participants for the purpose of population health screening. Participant phenotype was not available at the time of variant classification. Additional details can be found in publication PMID: 35346344, PMCID: PMC8962531

NM_020975.6(RET):c.2543T>G (p.Met848Arg)

Gene: RET (ret proto-oncogene; plus strand). Cytogenetic location: 10q11.21.
Variant type: single nucleotide variant.
Coding change: c.2543T>G on transcript NM_020975.6 (MANE Select); coding-DNA position 2543, T replaced by G.
Protein change: p.Met848Arg; replaces methionine 848 with arginine.
Molecular consequence: missense variant.
Genome position (GRCh38, 1-based): chr10:43,119,681, T>G. VCF-style: chr10-43119681-T-G. GRCh37 (hg19) VCF-style: chr10-43615129-T-G.
Other names: c.2543T>G, p.Met848Arg (NM_001406744.1, NM_001406759.1, NM_001406760.1 and 4 more transcripts); c.2414T>G, p.Met805Arg (NM_001406761.1, NM_001406762.1, NM_001406764.1); c.2408T>G, p.Met803Arg (NM_001406763.1, NM_001406765.1); c.2255T>G, p.Met752Arg (NM_001406766.1, NM_001406767.1, NM_001406770.1); c.1817T>G, p.Met606Arg (NM_001406777.1, NM_001406778.1, NM_001406775.1 and 1 more transcripts); c.1646T>G, p.Met549Arg (NM_001406779.1, NM_001406780.1, NM_001406781.1 and 1 more transcripts); c.1517T>G, p.Met506Arg (NM_001406783.1, NM_001406786.1); c.1553T>G, p.Met518Arg (NM_001406784.1); and 10 more; short protein forms M365R, M413R, M453R, M504R, M506R, M509R, M518R, M549R.
Identifiers: ClinVar variation 3073914 (VCV003073914.2), dbSNP rs201101792, ClinGen allele CA376556523.